The following is an entry in ClinVar:

NM_052947.4(ALPK2):c.4210G>T (p.Asp1404Tyr)

Genes: ALPK2 (alpha kinase 2; minus strand), LOC126862764 (BRD4-independent group 4 enhancer GRCh37_chr18:56202574-56203773; plus strand). Cytogenetic location: 18q21.31.
Variant type: single nucleotide variant.
Coding change: c.4210G>T on transcript NM_052947.4 (MANE Select); coding-DNA position 4210, G replaced by T.
Protein change: p.Asp1404Tyr; replaces aspartic acid 1404 with tyrosine.
Molecular consequence: missense variant.
Genome position (GRCh38, 1-based): chr18:58,535,977, C>A on the plus strand (G>T on the coding strand, the complement: ALPK2 is on the minus strand). VCF-style: chr18-58535977-C-A. GRCh37 (hg19) VCF-style: chr18-56203209-C-A.
Other names: short protein forms D1404Y.
Identifiers: ClinVar variation 1738752 (VCV001738752.2), dbSNP rs2518875204, ClinGen allele CA402563679.
Genomic context (GRCh38, chr18:58,535,977, plus strand): 5'-CAGAGGGCTCTGGTTTTCCAGCCCTGGTGTACTCTATCACACTTATCTCATCAATGGGAT[C>A]TACAGAGGACTCTAGGATTTTAGGGCAGGTCAGAAACTTTTTAAAGAAGGCAGTGTGATC-3'
Protein context (NP_443179.3, residues 1394-1414): TCPKILESSV[Asp1404Tyr]PIDEISVIEY

ClinVar aggregate classification (germline): Uncertain significance (1 of 4 stars; one submission).

Submission:

Ambry Genetics
Classification: Uncertain significance. Last evaluated: 2021-07-02. Review status: criteria provided, single submitter. Criteria: Ambry Variant Classification Scheme 2023. Collection method: clinical testing. Allele origin: germline.
Comment: The p.D1404Y variant (also known as c.4210G>T), located in coding exon 4 of the ALPK2 gene, results from a G to T substitution at nucleotide position 4210. The aspartic acid at codon 1404 is replaced by tyrosine, an amino acid with highly dissimilar properties. This amino acid position is conserved. In addition, the in silico prediction for this alteration is inconclusive. Since supporting evidence is limited at this time, the clinical significance of this alteration remains unclear.